The following is an entry in ClinVar:

ClinVar aggregate classification (germline): Conflicting classifications of pathogenicity. Review status: criteria provided, conflicting classifications (1 of 4 stars). 6 submissions from 5 submitters: Uncertain significance (2); Benign (1); Likely benign (3). Last evaluated 2025-12-01.

Conditions:
Autosomal recessive ataxia, Beauce type. Also called: SYNE1-Related Autosomal Recessive Cerebellar Ataxia; SYNE1 Deficiency; Spinocerebellar ataxia, autosomal recessive 8; ATAXIA, RECESSIVE, OF BEAUCE. Identifiers: Orphanet 88644, MedGen C1853116, MONDO:0012549, OMIM 610743.
Emery-Dreifuss muscular dystrophy 4, autosomal dominant (EDMD4). Also called: EMERY-DREIFUSS MUSCULAR DYSTROPHY 4 WITH VARIABLE FEATURES. Identifiers: Orphanet 261, MedGen C2751807, MONDO:0013071, OMIM 612998.

Allele frequency attached by ClinVar (database versions not stated): TOPMed 0.00007; ESP Exome Variant Server 0.00008; gnomAD exomes 0.00011 and 0.00018; gnomAD 0.00012 and 0.00017; 1000 Genomes Project 30x 0.00016; ExAC 0.00018; 1000 Genomes Project 0.00020.
gnomAD v4.1: 180 of 1,614,124 alleles (0.011%); highest among the groups gnomAD compares: South Asian, 0.078%; 2 homozygotes.

Submissions (7):

CeGaT Center for Human Genetics Tuebingen
Classification: Likely benign. Last evaluated: 2025-12-01. Review status: criteria provided, single submitter. Criteria: CeGaT Center For Human Genetics Tuebingen Variant Classification Criteria Version 2. Collection method: clinical testing. Allele origin: germline. Affected: yes. Observed: 1 variant allele.
Comment: SYNE1: BP4, BP7

Labcorp Genetics (formerly Invitae), Labcorp
Classification: Likely benign for Emery-Dreifuss muscular dystrophy 4, autosomal dominant; Autosomal recessive ataxia, Beauce type. Last evaluated: 2025-11-03. Review status: criteria provided, single submitter. Criteria: Invitae Variant Classification Sherloc (09022015). Collection method: clinical testing. Allele origin: germline.

GeneDx
Classification: Likely benign. Last evaluated: 2018-01-18. Review status: criteria provided, single submitter. Criteria: GeneDx Variant Classification (06012015). Collection method: clinical testing. Allele origin: germline. Affected: yes.
Comment: This variant is considered likely benign or benign based on one or more of the following criteria: it is a conservative change, it occurs at a poorly conserved position in the protein, it is predicted to be benign by multiple in silico algorithms, and/or has population frequency not consistent with disease.

Illumina Laboratory Services, Illumina
Classification: Benign for Emery-Dreifuss muscular dystrophy 4, autosomal dominant. Last evaluated: 2018-01-12. Review status: criteria provided, single submitter. Criteria: ICSL Variant Classification Criteria 13 December 2019. Collection method: clinical testing. Allele origin: germline.
Comment: This variant was observed in the ICSL laboratory as part of a predisposition screen in an ostensibly healthy population. It had not been previously curated by ICSL or reported in the Human Gene Mutation Database (HGMD: prior to June 1st, 2018), and was therefore a candidate for classification through an automated scoring system. Utilizing variant allele frequency, disease prevalence and penetrance estimates, and inheritance mode, an automated score was calculated to assess if this variant is too frequent to cause the disease. Based on the score and internal cut-off values, a variant classified as benign is not then subjected to further curation. The score for this variant resulted in a classification of benign for this disease.

Illumina Laboratory Services, Illumina
Classification: Uncertain significance for Autosomal recessive ataxia, Beauce type. Last evaluated: 2018-01-12. Review status: criteria provided, single submitter. Criteria: ICSL Variant Classification Criteria 13 December 2019. Collection method: clinical testing. Allele origin: germline.

Eurofins Ntd Llc (ga)
Classification: Uncertain significance. Last evaluated: 2017-12-07. Review status: criteria provided, single submitter. Criteria: EGL Classification Definitions 2015. Collection method: clinical testing. Allele origin: germline. Observed: 1 variant allele, 1 heterozygote.

Dr. Peter K. Rogan Lab, Western University
No classification provided (evidence only). Condition: Malignant tumor of urinary bladder. Review status: no classification provided. Collection method: in vitro. Allele origin: not applicable. Functional consequence: retained intron. Not counted in ClinVar's aggregate classification.

NM_182961.4(SYNE1):c.23757G>A (p.Ser7919=)

Gene: SYNE1 (spectrin repeat containing nuclear envelope protein 1; minus strand). Cytogenetic location: 6q25.2.
Variant type: single nucleotide variant.
Coding change: c.23757G>A on transcript NM_182961.4 (MANE Select); coding-DNA position 23757, G replaced by A.
Protein change: p.Ser7919=; no amino-acid change (serine 7919 retained).
Molecular consequence: synonymous variant.
Genome position (GRCh38, 1-based): chr6:152,164,196, C>T on the plus strand (G>A on the coding strand, the complement: SYNE1 is on the minus strand). VCF-style: chr6-152164196-C-T. GRCh37 (hg19) VCF-style: chr6-152485331-C-T.
Other names: c.363G>A, p.Ser121= (NM_001347701.2); c.222G>A, p.Ser74= (NM_001347702.2); c.23544G>A, p.Ser7848= (NM_033071.5).
Identifiers: ClinVar variation 514856 (VCV000514856.25), dbSNP rs377113267, ClinGen allele CA4053373.